The following is an entry in ClinVar:

NM_014112.5(TRPS1):c.2581G>A (p.Glu861Lys)

Gene: TRPS1 (transcriptional repressor GATA binding 1; minus strand). Cytogenetic location: 8q23.3.
Variant type: single nucleotide variant.
Coding change: c.2581G>A on transcript NM_014112.5 (MANE Select); coding-DNA position 2581, G replaced by A.
Protein change: p.Glu861Lys; replaces glutamic acid 861 with lysine.
Molecular consequence: missense variant.
Genome position (GRCh38, 1-based): chr8:115,587,120, C>T on the plus strand (G>A on the coding strand, the complement: TRPS1 is on the minus strand). VCF-style: chr8-115587120-C-T. GRCh37 (hg19) VCF-style: chr8-116599347-C-T.
Other names: c.2554G>A, p.Glu852Lys (NM_001282902.3); c.2560G>A, p.Glu854Lys (NM_001282903.3); c.2542G>A, p.Glu848Lys (NM_001330599.2); short protein forms E848K, E852K, E861K, E854K.
Identifiers: ClinVar variation 4782785 (VCV004782785.1).

ClinVar aggregate classification (germline): Uncertain significance (1 of 4 stars; one submission).

Conditions:
Trichorhinophalangeal syndrome, type III (TRPS3). Also called: SUGIO-KAJII SYNDROME. Identifiers: Orphanet 77258, MedGen C1860823, OMIM 190351, MONDO:0008597.
Trichorhinophalangeal dysplasia type I (TRPS1). Also called: TRICHORHINOPHALANGEAL SYNDROME, TYPE I; TRPS I. Identifiers: Orphanet 77258, MedGen C0432233, MONDO:0008596, OMIM 190350.

Submission:

Labcorp Genetics (formerly Invitae), Labcorp
Classification: Uncertain significance for Trichorhinophalangeal syndrome, type III; Trichorhinophalangeal dysplasia type I. Last evaluated: 2025-12-19. Review status: criteria provided, single submitter. Criteria: Invitae Variant Classification Sherloc (09022015). Collection method: clinical testing. Allele origin: germline.
Comment: This sequence change replaces glutamic acid, which is acidic and polar, with lysine, which is basic and polar, at codon 861 of the TRPS1 protein (p.Glu861Lys). This variant is not present in population databases (gnomAD no frequency). This variant has not been reported in the literature in individuals affected with TRPS1-related conditions. Invitae Evidence Modeling of protein sequence and biophysical properties (such as structural, functional, and spatial information, amino acid conservation, physicochemical variation, residue mobility, and thermodynamic stability) indicates that this missense variant is not expected to disrupt TRPS1 protein function with a negative predictive value of 80%. In summary, the available evidence is currently insufficient to determine the role of this variant in disease. Therefore, it has been classified as a Variant of Uncertain Significance.